The following is an entry in ClinVar:

NM_033100.4(CDHR1):c.2119G>C (p.Gly707Arg)

Gene: CDHR1 (cadherin related family member 1; plus strand). Cytogenetic location: 10q23.1.
Variant type: single nucleotide variant.
Coding change: c.2119G>C on transcript NM_033100.4 (MANE Select); coding-DNA position 2119, G replaced by C.
Protein change: p.Gly707Arg; replaces glycine 707 with arginine.
Molecular consequence: missense variant. On other transcripts: intron variant (1).
Genome position (GRCh38, 1-based): chr10:84,214,160, G>C. VCF-style: chr10-84214160-G-C. GRCh37 (hg19) VCF-style: chr10-85973916-G-C.
Other names: c.2040+812G>C (NM_001171971.3); short protein forms G707R.
Identifiers: ClinVar variation 2039368 (VCV002039368.4), dbSNP rs780543770, ClinGen allele CA377379284.
Genomic context (GRCh38, chr10:84,214,160, plus strand): 5'-ATGGCTGCCTTCCTGATACAGACCAAGGACAACCCCATGAAGGCCGTGGGTGTGCTGGCC[G>C]GCACCATGGCCACCGTCGTGGCCATCACTGTCCTCATCTCCACCGCCACCTTCTGGCGCA-3'
Protein context (NP_149091.1, residues 697-717): NPMKAVGVLA[Gly707Arg]TMATVVAITV

ClinVar aggregate classification (germline): Uncertain significance (1 of 4 stars; one submission).

gnomAD v4.1: 2 of 1,614,122 alleles (0.00012%); highest among the groups gnomAD compares: Non-Finnish European, 0.00017%; no homozygotes.

Submission:

Labcorp Genetics (formerly Invitae), Labcorp
Classification: Uncertain significance. Last evaluated: 2022-08-15. Review status: criteria provided, single submitter. Criteria: Invitae Variant Classification Sherloc (09022015). Collection method: clinical testing. Allele origin: germline.
Comment: This variant is not present in population databases (gnomAD no frequency). This sequence change replaces glycine, which is neutral and non-polar, with arginine, which is basic and polar, at codon 707 of the CDHR1 protein (p.Gly707Arg). This variant has not been reported in the literature in individuals affected with CDHR1-related conditions. Advanced modeling of protein sequence and biophysical properties (such as structural, functional, and spatial information, amino acid conservation, physicochemical variation, residue mobility, and thermodynamic stability) performed at Invitae indicates that this missense variant is not expected to disrupt CDHR1 protein function. In summary, the available evidence is currently insufficient to determine the role of this variant in disease. Therefore, it has been classified as a Variant of Uncertain Significance.